The following is an entry in ClinVar:

ClinVar aggregate classification (germline): Uncertain significance (1 of 4 stars; one submission).

Conditions:
Distal hereditary motor neuropathy type 2. Identifiers: Orphanet 139525, MedGen C3711384, MeSH C580044, MONDO:0015352.

Allele frequency attached by ClinVar (database versions not stated): TOPMed 0.00002; ExAC 0.00002; gnomAD exomes 0.00004 and 0.00001; gnomAD 0.00001.

Submission:

Labcorp Genetics (formerly Invitae), Labcorp
Classification: Uncertain significance for Distal hereditary motor neuropathy type 2. Last evaluated: 2024-05-23. Review status: criteria provided, single submitter. Criteria: Invitae Variant Classification Sherloc (09022015). Collection method: clinical testing. Allele origin: germline.
Comment: This sequence change replaces methionine, which is neutral and non-polar, with isoleucine, which is neutral and non-polar, at codon 1082 of the FBXO38 protein (p.Met1082Ile). This variant is present in population databases (rs764469305, gnomAD 0.03%). This missense change has been observed in individual(s) with clinical features of distal hereditary motor neuropathy (Invitae). ClinVar contains an entry for this variant (Variation ID: 565927). An algorithm developed to predict the effect of missense changes on protein structure and function (PolyPhen-2) suggests that this variant is likely to be disruptive. In summary, the available evidence is currently insufficient to determine the role of this variant in disease. Therefore, it has been classified as a Variant of Uncertain Significance.

NM_205836.3(FBXO38):c.3471G>A (p.Met1157Ile)

Gene: FBXO38 (F-box protein 38; plus strand). Cytogenetic location: 5q32.
Variant type: single nucleotide variant.
Coding change: c.3471G>A on transcript NM_205836.3 (MANE Select); coding-DNA position 3471, G replaced by A.
Protein change: p.Met1157Ile; replaces methionine 1157 with isoleucine.
Molecular consequence: missense variant.
Genome position (GRCh38, 1-based): chr5:148,442,051, G>A. VCF-style: chr5-148442051-G-A. GRCh37 (hg19) VCF-style: chr5-147821614-G-A.
Other names: c.2736G>A, p.Met912Ile (NM_001271723.2); c.3246G>A, p.Met1082Ile (NM_030793.5); short protein forms M1082I, M912I, M1157I.
Identifiers: ClinVar variation 565927 (VCV000565927.12), dbSNP rs764469305, ClinGen allele CA3497755.